The following is an entry in ClinVar:

ClinVar aggregate classification (germline): Uncertain significance (1 of 4 stars; one submission).

Conditions:
Hereditary cancer-predisposing syndrome. Also called: Neoplastic Syndromes, Hereditary; Tumor predisposition; Hereditary Cancer Syndrome; Hereditary neoplastic syndrome. Identifiers: Orphanet 140162, MedGen C0027672, MeSH D009386, MONDO:0015356.

Submission:

Ambry Genetics
Classification: Uncertain significance for Hereditary cancer-predisposing syndrome. Last evaluated: 2018-08-28. Review status: criteria provided, single submitter. Criteria: Ambry Variant Classification Scheme 2023. Collection method: clinical testing. Allele origin: germline.
Comment: The p.Q537H variant (also known as c.1611A>T), located in coding exon 10 of the RAD50 gene, results from an A to T substitution at nucleotide position 1611. The glutamine at codon 537 is replaced by histidine, an amino acid with highly similar properties. This amino acid position is highly conserved in available vertebrate species. In addition, this alteration is predicted to be tolerated by in silico analysis. Since supporting evidence is limited at this time, the clinical significance of this alteration remains unclear.

NM_005732.4(RAD50):c.1611A>T (p.Gln537His)

Gene: RAD50 (RAD50 double strand break repair protein; plus strand). Cytogenetic location: 5q31.1.
Variant type: single nucleotide variant.
Coding change: c.1611A>T on transcript NM_005732.4 (MANE Select); coding-DNA position 1611, A replaced by T.
Protein change: p.Gln537His; replaces glutamine 537 with histidine.
Molecular consequence: missense variant.
Genome position (GRCh38, 1-based): chr5:132,591,382, A>T. VCF-style: chr5-132591382-A-T. GRCh37 (hg19) VCF-style: chr5-131927074-A-T.
Other names: short protein forms Q537H.
Identifiers: ClinVar variation 819662 (VCV000819662.4), dbSNP rs1322845292, ClinGen allele CA360946117.